The following is an entry in ClinVar:

NM_001007527.2(LMBRD2):c.2037T>C (p.Pro679=)

Gene: LMBRD2 (LMBR1 domain containing 2; minus strand). Cytogenetic location: 5p13.2.
Variant type: single nucleotide variant.
Coding change: c.2037T>C on transcript NM_001007527.2 (MANE Select); coding-DNA position 2037, T replaced by C.
Protein change: p.Pro679=; no amino-acid change (proline 679 retained).
Molecular consequence: synonymous variant.
Genome position (GRCh38, 1-based): chr5:36,104,097, A>G on the plus strand (T>C on the coding strand, the complement: LMBRD2 is on the minus strand). VCF-style: chr5-36104097-A-G. GRCh37 (hg19) VCF-style: chr5-36104199-A-G.
Identifiers: ClinVar variation 4997342 (VCV004997342.1).

ClinVar aggregate classification (germline): Likely benign (1 of 4 stars; one submission).

Conditions:
LMBRD2-related disorder.

Submission:

PreventionGenetics, part of Exact Sciences
Classification: Likely benign for LMBRD2-related condition. Last evaluated: 2026-03-24. Review status: criteria provided, single submitter. Criteria: ACMG Guidelines, 2015. Collection method: clinical testing. Allele origin: germline.
Comment: This variant is classified as likely benign based on ACMG/AMP sequence variant interpretation guidelines (Richards et al. 2015 PMID: 25741868, with internal and published modifications).